The following is an entry in ClinVar:

ClinVar aggregate classification (germline): Benign/Likely benign. Review status: criteria provided, multiple submitters, no conflicts (2 of 4 stars). 4 submissions from 4 submitters: Benign (2); Likely benign (2). Last evaluated 2025-08-18.

Allele frequency attached by ClinVar (database versions not stated): 1000 Genomes Project 30x 0.00406; 1000 Genomes Project 0.00439; TOPMed 0.00598; gnomAD 0.00621 and 0.00630; gnomAD exomes 0.00672; ExAC 0.00694; ESP Exome Variant Server 0.00715.
gnomAD v4.1: 14,200 of 1,612,838 alleles (0.88%); highest among the groups gnomAD compares: Non-Finnish European, 1%; 76 homozygotes.

Submissions (4):

Genomic Medicine Center of Excellence, King Faisal Specialist Hospital and Research Centre
Classification: Likely benign. Last evaluated: 2025-08-18. Review status: criteria provided, single submitter. Criteria: ACMG Guidelines, 2015. Collection method: clinical testing. Allele origin: germline.

CeGaT Center for Human Genetics Tuebingen
Classification: Likely benign. Last evaluated: 2022-12-01. Review status: criteria provided, single submitter. Criteria: CeGaT Center For Human Genetics Tuebingen Variant Classification Criteria Version 2. Collection method: clinical testing. Allele origin: germline. Affected: yes. Observed: 2 variant alleles.
Comment: RB1CC1: BS2

Labcorp Genetics (formerly Invitae), Labcorp
Classification: Benign. Last evaluated: 2019-12-31. Review status: criteria provided, single submitter. Criteria: Invitae Variant Classification Sherloc (09022015). Collection method: clinical testing. Allele origin: germline.

Breakthrough Genomics
Classification: Benign. Review status: criteria provided, single submitter. Criteria: ACMG Guidelines, 2015. Collection method: not provided. Allele origin: germline. Inheritance: Autosomal dominant inheritance. Affected: yes.

NM_014781.5(RB1CC1):c.3942T>A (p.Asn1314Lys)

Gene: RB1CC1 (RB1 inducible coiled-coil 1; minus strand). Cytogenetic location: 8q11.23.
Variant type: single nucleotide variant.
Coding change: c.3942T>A on transcript NM_014781.5 (MANE Select); coding-DNA position 3942, T replaced by A.
Protein change: p.Asn1314Lys; replaces asparagine 1314 with lysine.
Molecular consequence: missense variant.
Genome position (GRCh38, 1-based): chr8:52,645,747, A>T on the plus strand (T>A on the coding strand, the complement: RB1CC1 is on the minus strand). VCF-style: chr8-52645747-A-T. GRCh37 (hg19) VCF-style: chr8-53558307-A-T.
Other names: c.3942T>A, p.Asn1314Lys (NM_001083617.2); short protein forms N1314K.
Identifiers: ClinVar variation 789296 (VCV000789296.30), dbSNP rs34701924, ClinGen allele CA4747645.